The following is an entry in ClinVar:

ClinVar aggregate classification (germline): Uncertain significance (1 of 4 stars; one submission).

gnomAD v4.1: 12 of 1,613,144 alleles (0.00074%); highest among the groups gnomAD compares: Non-Finnish European, 0.00085%; no homozygotes.

Submission:

GeneDx
Classification: Uncertain significance. Last evaluated: 2024-03-13. Review status: criteria provided, single submitter. Criteria: GeneDx Variant Classification Process June 2021. Collection method: clinical testing. Allele origin: germline. Affected: yes.
Comment: Not observed at significant frequency in large population cohorts (gnomAD); In silico analysis supports that this missense variant does not alter protein structure/function; Has not been previously published as pathogenic or benign to our knowledge

NM_001287491.2(TET3):c.905C>T (p.Pro302Leu)

Gene: TET3 (tet methylcytosine dioxygenase 3; plus strand). Cytogenetic location: 2p13.1.
Variant type: single nucleotide variant.
Coding change: c.905C>T on transcript NM_001287491.2 (MANE Select); coding-DNA position 905, C replaced by T.
Protein change: p.Pro302Leu; replaces proline 302 with leucine.
Molecular consequence: missense variant.
Genome position (GRCh38, 1-based): chr2:74,046,822, C>T. VCF-style: chr2-74046822-C-T. GRCh37 (hg19) VCF-style: chr2-74273949-C-T.
Other names: c.626C>T, p.Pro209Leu (NM_001366022.1); short protein forms P209L, P302L.
Identifiers: ClinVar variation 3370822 (VCV003370822.1).
Genomic context (GRCh38, chr2:74,046,822, plus strand): 5'-ACCTCGAGTGGCTGGAGGGGAAGATCAAGTCTGTGGTCATGGAAGGAGGGGAGGAGCGGC[C>T]CAGGCTCCCAGGGCCTCTGCCTCCTGGTGAGGCCGGCCTCCCAGCACCAAGCACCAGGCC-3'
Protein context (NP_001274420.1, residues 292-312): SVVMEGGEER[Pro302Leu]RLPGPLPPGE